The following is an entry in ClinVar:

ClinVar aggregate classification (germline): Benign. Review status: criteria provided, multiple submitters, no conflicts (2 of 4 stars). 8 submissions from 8 submitters: Benign (7). 1 of the submissions does not count toward it. Last evaluated 2026-02-04.

Conditions:
BGN-related disorder. Also called: BGN-related condition.
Cardiovascular phenotype. Identifiers: MedGen CN230736.

Allele frequency attached by ClinVar (database versions not stated): gnomAD exomes 0.00194 and 0.00529; ExAC 0.00670; gnomAD 0.01926 and 0.02054; 1000 Genomes Project 0.01987; 1000 Genomes Project 30x 0.02164; TOPMed 0.02233; ESP Exome Variant Server 0.02329.

Submissions (8):

Labcorp Genetics (formerly Invitae), Labcorp
Classification: Benign. Last evaluated: 2026-02-04. Review status: criteria provided, single submitter. Criteria: Invitae Variant Classification Sherloc (09022015). Collection method: clinical testing. Allele origin: germline.

ARUP Laboratories, Molecular Genetics and Genomics, ARUP Laboratories
Classification: Benign. Last evaluated: 2025-07-02. Review status: criteria provided, single submitter. Criteria: ARUP Molecular Germline Variant Investigation Process 2024. Collection method: clinical testing. Allele origin: germline.

Women's Health and Genetics/Laboratory Corporation of America, LabCorp
Classification: Benign. Last evaluated: 2023-07-21. Review status: criteria provided, single submitter. Criteria: LabCorp Variant Classification Summary - May 2015. Collection method: clinical testing. Allele origin: germline.

Mayo Clinic Laboratories, Mayo Clinic
Classification: Benign. Last evaluated: 2023-03-12. Review status: criteria provided, single submitter. Criteria: ACMG Guidelines, 2015. Collection method: clinical testing. Allele origin: germline. Observed: 5 variant alleles.

Ambry Genetics
Classification: Benign for Cardiovascular phenotype. Last evaluated: 2019-04-26. Review status: criteria provided, single submitter. Criteria: Ambry Variant Classification Scheme 2023. Collection method: clinical testing. Allele origin: germline.

GeneDx
Classification: Benign. Last evaluated: 2018-09-22. Review status: criteria provided, single submitter. Criteria: GeneDx Variant Classification Process June 2021. Collection method: clinical testing. Allele origin: germline. Affected: yes.

Breakthrough Genomics
Classification: Benign. Review status: criteria provided, single submitter. Criteria: ACMG Guidelines, 2015. Collection method: not provided. Allele origin: germline. Inheritance: X-linked inheritance. Affected: yes.

PreventionGenetics, part of Exact Sciences
Classification: Benign for BGN-related condition. Last evaluated: 2019-07-30. Review status: no assertion criteria provided. Collection method: clinical testing. Allele origin: germline. Not counted in ClinVar's aggregate classification.
Comment: This variant is classified as benign based on ACMG/AMP sequence variant interpretation guidelines (Richards et al. 2015 PMID: 25741868, with internal and published modifications).

NM_001711.6(BGN):c.120A>G (p.Glu40=)

Gene: BGN (biglycan; plus strand). Cytogenetic location: Xq28.
Variant type: single nucleotide variant.
Coding change: c.120A>G on transcript NM_001711.6 (MANE Select); coding-DNA position 120, A replaced by G.
Protein change: p.Glu40=; no amino-acid change (glutamic acid 40 retained).
Molecular consequence: synonymous variant.
Genome position (GRCh38, 1-based): chrX:153,504,751, A>G. VCF-style: chrX-153504751-A-G. GRCh37 (hg19) VCF-style: chrX-152770209-A-G.
Other names: p.Glu40=.
Identifiers: ClinVar variation 716261 (VCV000716261.21), dbSNP rs34441665, ClinGen allele CA10547126.